The following is an entry in ClinVar:

NM_015409.5(EP400):c.3G>C (p.Met1Ile)

Gene: EP400 (E1A binding protein p400; plus strand). Cytogenetic location: 12q24.33.
Variant type: single nucleotide variant.
Coding change: c.3G>C on transcript NM_015409.5 (MANE Select); coding-DNA position 3, G replaced by C.
Protein change: p.Met1Ile; changes the start codon (methionine 1).
Molecular consequence: missense variant, initiator codon variant.
Genome position (GRCh38, 1-based): chr12:131,960,622, G>C. VCF-style: chr12-131960622-G-C. GRCh37 (hg19) VCF-style: chr12-132445167-G-C.
Other names: short protein forms M1I.
Identifiers: ClinVar variation 3346838 (VCV003346838.1).

ClinVar aggregate classification (germline): Uncertain significance (0 of 4 stars; one submission).

Conditions:
EP400-related disorder. Also called: EP400-related condition.

Submission:

PreventionGenetics, part of Exact Sciences
Classification: Uncertain significance for EP400-related condition. Last evaluated: 2024-05-28. Review status: no assertion criteria provided. Collection method: clinical testing. Allele origin: germline.
Comment: The EP400 c.3G>C variant is predicted to disrupt the translation initiation site (Start Loss). To our knowledge, this variant has not been reported in the literature or in a large population database, indicating this variant is rare. At this time, the clinical significance of this variant is uncertain due to the absence of conclusive functional and genetic evidence.